The following is an entry in ClinVar:

ClinVar aggregate classification (germline): Uncertain significance (1 of 4 stars; one submission).

Conditions:
Fibrous dysplasia of jaw (CRBM). Also called: Cherubism. Identifiers: Orphanet 184, MedGen C0008029, MONDO:0007315, OMIM 118400.

Submission:

Labcorp Genetics (formerly Invitae), Labcorp
Classification: Uncertain significance for Fibrous dysplasia of jaw. Last evaluated: 2023-10-13. Review status: criteria provided, single submitter. Criteria: Invitae Variant Classification Sherloc (09022015). Collection method: clinical testing. Allele origin: germline.
Comment: This sequence change replaces proline, which is neutral and non-polar, with serine, which is neutral and polar, at codon 215 of the SH3BP2 protein (p.Pro215Ser). This variant is present in population databases (rs139934973, gnomAD 0.0009%). This variant has not been reported in the literature in individuals affected with SH3BP2-related conditions. ClinVar contains an entry for this variant (Variation ID: 2066822). Advanced modeling of protein sequence and biophysical properties (such as structural, functional, and spatial information, amino acid conservation, physicochemical variation, residue mobility, and thermodynamic stability) performed at Invitae indicates that this missense variant is not expected to disrupt SH3BP2 protein function. In summary, the available evidence is currently insufficient to determine the role of this variant in disease. Therefore, it has been classified as a Variant of Uncertain Significance.

NM_001122681.2(SH3BP2):c.643C>T (p.Pro215Ser)

Gene: SH3BP2 (SH3 domain binding protein 2; plus strand). Cytogenetic location: 4p16.3.
Variant type: single nucleotide variant.
Coding change: c.643C>T on transcript NM_001122681.2 (MANE Select); coding-DNA position 643, C replaced by T.
Protein change: p.Pro215Ser; replaces proline 215 with serine.
Molecular consequence: missense variant.
Genome position (GRCh38, 1-based): chr4:2,829,549, C>T. VCF-style: chr4-2829549-C-T. GRCh37 (hg19) VCF-style: chr4-2831276-C-T.
Other names: c.727C>T, p.Pro243Ser (NM_001145855.2); c.814C>T, p.Pro272Ser (NM_001145856.2); c.643C>T, p.Pro215Ser (NM_003023.4); short protein forms P272S, P215S, P243S.
Identifiers: ClinVar variation 2066822 (VCV002066822.4), dbSNP rs139934973, ClinGen allele CA2819286.